The following is an entry in ClinVar:

ClinVar aggregate classification (germline): Uncertain significance (1 of 4 stars; one submission).

Allele frequency attached by ClinVar (database versions not stated): TOPMed 0.00002; gnomAD 0.00011; ExAC 0.00016; gnomAD exomes 0.00030; 1000 Genomes Project 30x 0.00078; 1000 Genomes Project 0.00100.

Submission:

Labcorp Genetics (formerly Invitae), Labcorp
Classification: Uncertain significance. Last evaluated: 2024-12-02. Review status: criteria provided, single submitter. Criteria: Invitae Variant Classification Sherloc (09022015). Collection method: clinical testing. Allele origin: germline.
Comment: This sequence change replaces proline, which is neutral and non-polar, with serine, which is neutral and polar, at codon 314 of the PPP1R15B protein (p.Pro314Ser). This variant is present in population databases (rs144269029, gnomAD 0.2%), and has an allele count higher than expected for a pathogenic variant. This variant has not been reported in the literature in individuals affected with PPP1R15B-related conditions. ClinVar contains an entry for this variant (Variation ID: 2150256). Invitae Evidence Modeling of protein sequence and biophysical properties (such as structural, functional, and spatial information, amino acid conservation, physicochemical variation, residue mobility, and thermodynamic stability) indicates that this missense variant is expected to disrupt PPP1R15B protein function with a positive predictive value of 80%. In summary, the available evidence is currently insufficient to determine the role of this variant in disease. Therefore, it has been classified as a Variant of Uncertain Significance.

NM_032833.5(PPP1R15B):c.940C>T (p.Pro314Ser)

Gene: PPP1R15B (protein phosphatase 1 regulatory subunit 15B; minus strand). Cytogenetic location: 1q32.1.
Variant type: single nucleotide variant.
Coding change: c.940C>T on transcript NM_032833.5 (MANE Select); coding-DNA position 940, C replaced by T.
Protein change: p.Pro314Ser; replaces proline 314 with serine.
Molecular consequence: missense variant.
Genome position (GRCh38, 1-based): chr1:204,410,472, G>A on the plus strand (C>T on the coding strand, the complement: PPP1R15B is on the minus strand). VCF-style: chr1-204410472-G-A. GRCh37 (hg19) VCF-style: chr1-204379600-G-A.
Other names: short protein forms P314S.
Identifiers: ClinVar variation 2150256 (VCV002150256.4), dbSNP rs144269029, ClinGen allele CA1346719.
Genomic context (GRCh38, chr1:204,410,472, plus strand): 5'-TCCGGAGAAGGCTGTGTTCCTCCTCCAGGCTGTGGTAGCCATTATCCTGGTCAGGGGTGG[G>A]TAAATCTTGCCCCTTGCTAGCCTGTTGAAGGAATTCCAGCCGTTTCATGCGAAGATGGTG-3'
Protein context (NP_116222.4, residues 304-324): LQQASKGQDL[Pro314Ser]TPDQDNGYHS